The following is an entry in ClinVar:

NM_001003722.2(GLE1):c.1837C>A (p.Pro613Thr)

Genes: GLE1 (GLE1 RNA export mediator; plus strand), LOC101929270 (uncharacterized LOC101929270; minus strand). Cytogenetic location: 9q34.11.
Variant type: single nucleotide variant.
Coding change: c.1837C>A on transcript NM_001003722.2 (MANE Select); coding-DNA position 1837, C replaced by A.
Protein change: p.Pro613Thr; replaces proline 613 with threonine.
Molecular consequence: missense variant.
Genome position (GRCh38, 1-based): chr9:128,538,046, C>A. VCF-style: chr9-128538046-C-A. GRCh37 (hg19) VCF-style: chr9-131300325-C-A.
Other names: c.1864C>A, p.Pro622Thr (NM_001411013.1); c.1837C>A, p.Pro613Thr (NM_001499.2); short protein forms P613T, P622T.
Identifiers: ClinVar variation 3854182 (VCV003854182.2).
Genomic context (GRCh38, chr9:128,538,046, plus strand): 5'-ATTCACCCTCATGGCTTAAATCATGGATGGCGCTGGTTGGCACAGATCTTAAACATGGAG[C>A]CCTTGTCAGATGTGACAGCCACCCTCCTCTTTGACTTCCTGGAGGTACGTAACTCAGTTA-3'
Protein context (NP_001003722.1, residues 603-623): RWLAQILNME[Pro613Thr]LSDVTATLLF

ClinVar aggregate classification (germline): Conflicting classifications of pathogenicity. Review status: criteria provided, conflicting classifications (1 of 4 stars). 2 submissions from 2 submitters: Likely pathogenic (1); Uncertain significance (1). Last evaluated 2026-02-07.

Conditions:
Inborn genetic diseases. Identifiers: MedGen C0950123, MeSH D030342.

Submissions (2):

GeneDx
Classification: Likely pathogenic. Last evaluated: 2026-02-07. Review status: criteria provided, single submitter. Criteria: GeneDx Variant Classification Process June 2021. Collection method: clinical testing. Allele origin: germline.
Comment: Not observed at significant frequency in large population cohorts (gnomAD); In silico analysis supports that this missense variant has a deleterious effect on protein structure/function; Has not been previously published as pathogenic or benign to our knowledge

Ambry Genetics
Classification: Uncertain significance for Inborn genetic diseases. Last evaluated: 2024-12-16. Review status: criteria provided, single submitter. Criteria: Ambry Variant Classification Scheme 2023. Collection method: clinical testing. Allele origin: germline.